The following is an entry in ClinVar:

ClinVar aggregate classification (germline): Conflicting classifications of pathogenicity. Review status: criteria provided, conflicting classifications (1 of 4 stars). 2 submissions from 2 submitters: Uncertain significance (1); Likely benign (1). Last evaluated 2024-10-15.

Allele frequency attached by ClinVar (database versions not stated): ESP Exome Variant Server 0.00023; 1000 Genomes Project 30x 0.00031; gnomAD 0.00031; TOPMed 0.00035; 1000 Genomes Project 0.00040.

Submissions (2):

Labcorp Genetics (formerly Invitae), Labcorp
Classification: Likely benign. Last evaluated: 2024-10-15. Review status: criteria provided, single submitter. Criteria: Invitae Variant Classification Sherloc (09022015). Collection method: clinical testing. Allele origin: germline.

GeneDx
Classification: Uncertain significance. Last evaluated: 2024-01-04. Review status: criteria provided, single submitter. Criteria: GeneDx Variant Classification Process June 2021. Collection method: clinical testing. Allele origin: germline. Affected: yes.
Comment: Has not been previously published as pathogenic or benign to our knowledge; In silico analysis supports that this missense variant does not alter protein structure/function

NM_004046.6(ATP5F1A):c.112G>A (p.Ala38Thr)

Gene: ATP5F1A (ATP synthase F1 subunit alpha; minus strand). Cytogenetic location: 18q21.1.
Variant type: single nucleotide variant.
Coding change: c.112G>A on transcript NM_004046.6 (MANE Select); coding-DNA position 112, G replaced by A.
Protein change: p.Ala38Thr; replaces alanine 38 with threonine.
Molecular consequence: missense variant. On other transcripts: 5 prime UTR variant (2).
Genome position (GRCh38, 1-based): chr18:46,095,080, C>T on the plus strand (G>A on the coding strand, the complement: ATP5F1A is on the minus strand). VCF-style: chr18-46095080-C-T. GRCh37 (hg19) VCF-style: chr18-43675046-C-T.
Other names: c.112G>A (NM_001001937.1); c.-112G>A (NM_001001935.3); c.112G>A, p.Ala38Thr (NM_001001937.2, NM_001257334.2); c.-39G>A (NM_001257335.2); short protein forms A38T.
Identifiers: ClinVar variation 2175708 (VCV002175708.5), dbSNP rs189208584, ClinGen allele CA8950925.